The following is an entry in ClinVar:

ClinVar aggregate classification (germline): Uncertain significance (1 of 4 stars; one submission).

Allele frequency attached by ClinVar (database versions not stated): gnomAD exomes below 0.00001 and 0.00001; TOPMed 0.00002.
gnomAD v4.1: 9 of 1,614,000 alleles (0.00056%); highest among the groups gnomAD compares: East Asian, 0.0022%; no homozygotes.

Submission:

Labcorp Genetics (formerly Invitae), Labcorp
Classification: Uncertain significance. Last evaluated: 2022-01-14. Review status: criteria provided, single submitter. Criteria: Invitae Variant Classification Sherloc (09022015). Collection method: clinical testing. Allele origin: germline.
Comment: This sequence change replaces leucine, which is neutral and non-polar, with phenylalanine, which is neutral and non-polar, at codon 726 of the TTLL5 protein (p.Leu726Phe). This variant is present in population databases (no rsID available, gnomAD 0.007%). This variant has not been reported in the literature in individuals affected with TTLL5-related conditions. ClinVar contains an entry for this variant (Variation ID: 942803). Algorithms developed to predict the effect of missense changes on protein structure and function are either unavailable or do not agree on the potential impact of this missense change (SIFT: "Deleterious"; PolyPhen-2: "Probably Damaging"; Align-GVGD: "Class C0"). In summary, the available evidence is currently insufficient to determine the role of this variant in disease. Therefore, it has been classified as a Variant of Uncertain Significance.

NM_015072.5(TTLL5):c.2176C>T (p.Leu726Phe)

Gene: TTLL5 (tubulin tyrosine ligase like 5; plus strand). Cytogenetic location: 14q24.3.
Variant type: single nucleotide variant.
Coding change: c.2176C>T on transcript NM_015072.5 (MANE Select); coding-DNA position 2176, C replaced by T.
Protein change: p.Leu726Phe; replaces leucine 726 with phenylalanine.
Molecular consequence: missense variant.
Genome position (GRCh38, 1-based): chr14:75,775,523, C>T. VCF-style: chr14-75775523-C-T. GRCh37 (hg19) VCF-style: chr14-76241866-C-T.
Other names: short protein forms L726F.
Identifiers: ClinVar variation 942803 (VCV000942803.7), dbSNP rs1224068762, ClinGen allele CA390469136.
Genomic context (GRCh38, chr14:75,775,523, plus strand): 5'-CCACGACTCTTTAATTTATAGGAGCTGGTTGTTCGTTTCCTCAAGCGAGCATCAAATAAC[C>T]TCCAGCATTCACTGAGGATGGTATTACCCAGTCGACGATTGGCACTTCTGGAACGCAGAA-3'
Protein context (NP_055887.3, residues 716-736): VRFLKRASNN[Leu726Phe]QHSLRMVLPS